The following is an entry in ClinVar:

NM_001367624.2(ZNF469):c.13C>T (p.Arg5Cys)

Gene: ZNF469 (zinc finger protein 469; plus strand). Cytogenetic location: 16q24.2.
Variant type: single nucleotide variant.
Coding change: c.13C>T on transcript NM_001367624.2 (MANE Select); coding-DNA position 13, C replaced by T.
Protein change: p.Arg5Cys; replaces arginine 5 with cysteine.
Molecular consequence: missense variant.
Genome position (GRCh38, 1-based): chr16:88,427,483, C>T. VCF-style: chr16-88427483-C-T. GRCh37 (hg19) VCF-style: chr16-88493891-C-T.
Other names: NM_001127464.1:c.13C>T; short protein forms R5C.
Identifiers: ClinVar variation 1918723 (VCV001918723.3), dbSNP rs1228271102, ClinGen allele CA397057231.

ClinVar aggregate classification (germline): Uncertain significance. Review status: criteria provided, multiple submitters, no conflicts (2 of 4 stars). 2 submissions from 2 submitters: Uncertain significance (2). Last evaluated 2024-02-22.

Conditions:
Cardiovascular phenotype. Identifiers: MedGen CN230736.

Allele frequency attached by ClinVar (database versions not stated): gnomAD 0.00001; TOPMed 0.00001.

Submissions (2):

Ambry Genetics
Classification: Uncertain significance for Cardiovascular phenotype. Last evaluated: 2024-02-22. Review status: criteria provided, single submitter. Criteria: Ambry Variant Classification Scheme 2023. Collection method: clinical testing. Allele origin: germline.
Comment: The p.R5C variant (also known as c.13C>T), located in coding exon 1 of the ZNF469 gene, results from a C to T substitution at nucleotide position 13. The arginine at codon 5 is replaced by cysteine, an amino acid with highly dissimilar properties. This amino acid position is conserved. In addition, this alteration is predicted to be tolerated by in silico analysis. Based on the available evidence, the clinical significance of this alteration remains unclear.

Labcorp Genetics (formerly Invitae), Labcorp
Classification: Uncertain significance. Last evaluated: 2022-08-23. Review status: criteria provided, single submitter. Criteria: Invitae Variant Classification Sherloc (09022015). Collection method: clinical testing. Allele origin: germline.
Comment: This sequence change replaces arginine, which is basic and polar, with cysteine, which is neutral and slightly polar, at codon 5 of the ZNF469 protein (p.Arg5Cys). The frequency data for this variant in the population databases is considered unreliable, as metrics indicate poor data quality at this position in the gnomAD database. This variant has not been reported in the literature in individuals affected with ZNF469-related conditions. Algorithms developed to predict the effect of missense changes on protein structure and function are either unavailable or do not agree on the potential impact of this missense change (SIFT: "Deleterious"; PolyPhen-2: "Benign"; Align-GVGD: "Class C0"). In summary, the available evidence is currently insufficient to determine the role of this variant in disease. Therefore, it has been classified as a Variant of Uncertain Significance.